The following is an entry in ClinVar:

NM_015559.3(SETBP1):c.2731A>C (p.Thr911Pro)

Gene: SETBP1 (SET binding protein 1; plus strand). Cytogenetic location: 18q12.3.
Variant type: single nucleotide variant.
Coding change: c.2731A>C on transcript NM_015559.3 (MANE Select); coding-DNA position 2731, A replaced by C.
Protein change: p.Thr911Pro; replaces threonine 911 with proline.
Molecular consequence: missense variant.
Genome position (GRCh38, 1-based): chr18:44,952,071, A>C. VCF-style: chr18-44952071-A-C. GRCh37 (hg19) VCF-style: chr18-42532036-A-C.
Other names: c.2731A>C, p.Thr911Pro (NM_001379141.1, NM_001379142.1, NM_001410862.1); short protein forms T911P.
Identifiers: ClinVar variation 2158814 (VCV002158814.4), dbSNP rs1322476213, ClinGen allele CA402322089.

ClinVar aggregate classification (germline): Uncertain significance (1 of 4 stars; one submission).

Allele frequency attached by ClinVar (database versions not stated): gnomAD 0.00001.
gnomAD v4.1: 17 of 1,613,986 alleles (0.0011%); highest among the groups gnomAD compares: Non-Finnish European, 0.0014%; no homozygotes.

Submission:

Labcorp Genetics (formerly Invitae), Labcorp
Classification: Uncertain significance. Last evaluated: 2025-12-09. Review status: criteria provided, single submitter. Criteria: Invitae Variant Classification Sherloc (09022015). Collection method: clinical testing. Allele origin: germline.
Comment: This sequence change replaces threonine, which is neutral and polar, with proline, which is neutral and non-polar, at codon 911 of the SETBP1 protein (p.Thr911Pro). This variant is present in population databases (no rsID available, gnomAD 0.007%). This variant has not been reported in the literature in individuals affected with SETBP1-related conditions. ClinVar contains an entry for this variant (Variation ID: 2158814). Invitae Evidence Modeling of protein sequence and biophysical properties (such as structural, functional, and spatial information, amino acid conservation, physicochemical variation, residue mobility, and thermodynamic stability) indicates that this missense variant is not expected to disrupt SETBP1 protein function with a negative predictive value of 80%. In summary, the available evidence is currently insufficient to determine the role of this variant in disease. Therefore, it has been classified as a Variant of Uncertain Significance.